The following is an entry in ClinVar:

ClinVar aggregate classification (germline): Uncertain significance (1 of 4 stars; one submission).

Conditions:
Autosomal recessive spinocerebellar ataxia 18. Identifiers: Orphanet 363432, MedGen C4015505, MONDO:0014530, OMIM 616204.

Submission:

Genomic Medicine Center of Excellence, King Faisal Specialist Hospital and Research Centre
Classification: Uncertain significance for Autosomal recessive spinocerebellar ataxia 18. Last evaluated: 2024-10-13. Review status: criteria provided, single submitter. Criteria: ACMG Guidelines, 2015. Collection method: clinical testing. Allele origin: germline.
Comment: This variant (GRCh38; NM_001510.3:c.800A>T:p.Asp267Val) results in a missense mutation with the conversion of Aspartate (Acidic amino acid) to Valine (Nonpolar amino acid) in the GRID2 gene. Not observed at significant frequency in large population cohorts (gnomAD) This variant has a strong Conservation score. Multiple lines of computational evidence of this variant support a deleterious effect on the gene or gene product for this variant. To our knowledge this variant not been previously curated or reported in public Database. A literature search was performed for the gene and associated variants. Based on this search no publications were found. Based on conflicting evidence or insufficient data to determine whether the variant is benign or pathogenic, the clinical significance of this alteration remains unclear. In summary, this variant meets our criteria for classification as of Unknown Clinical Significance based on the evidence outlined.

NM_001510.4(GRID2):c.800A>T (p.Asp267Val)

Gene: GRID2 (glutamate ionotropic receptor delta type subunit 2; plus strand). Cytogenetic location: 4q22.2.
Variant type: single nucleotide variant.
Coding change: c.800A>T on transcript NM_001510.4 (MANE Select); coding-DNA position 800, A replaced by T.
Protein change: p.Asp267Val; replaces aspartic acid 267 with valine.
Molecular consequence: missense variant.
Genome position (GRCh38, 1-based): chr4:93,216,748, A>T. VCF-style: chr4-93216748-A-T. GRCh37 (hg19) VCF-style: chr4-94137899-A-T.
Other names: c.515A>T, p.Asp172Val (NM_001286838.1); short protein forms D172V, D267V.
Identifiers: ClinVar variation 3363136 (VCV003363136.1).
Genomic context (GRCh38, chr4:93,216,748, plus strand): 5'-TTTGTGACTGTATTAAAGTATCTCTAATTCTTCCACCTCTTATCTTATAGGAAATAAACG[A>T]TGTGGACGTACAGGAACTTGTAAGAAGGTCAATTGGAAGGTTAACGATTATTCGGCAGAC-3'
Protein context (NP_001501.2, residues 257-277): HWIIINEEIN[Asp267Val]VDVQELVRRS